The following is an entry in ClinVar:

ClinVar aggregate classification (germline): Uncertain significance (1 of 4 stars; one submission).

Submission:

Labcorp Genetics (formerly Invitae), Labcorp
Classification: Uncertain significance. Last evaluated: 2024-10-23. Review status: criteria provided, single submitter. Criteria: Invitae Variant Classification Sherloc (09022015). Collection method: clinical testing. Allele origin: germline.
Comment: This sequence change replaces alanine, which is neutral and non-polar, with proline, which is neutral and non-polar, at codon 594 of the PDE6C protein (p.Ala594Pro). This variant is not present in population databases (gnomAD no frequency). This variant has not been reported in the literature in individuals affected with PDE6C-related conditions. ClinVar contains an entry for this variant (Variation ID: 2126746). Invitae Evidence Modeling of protein sequence and biophysical properties (such as structural, functional, and spatial information, amino acid conservation, physicochemical variation, residue mobility, and thermodynamic stability) indicates that this missense variant is expected to disrupt PDE6C protein function with a positive predictive value of 95%. In summary, the available evidence is currently insufficient to determine the role of this variant in disease. Therefore, it has been classified as a Variant of Uncertain Significance.

NM_006204.4(PDE6C):c.1780G>C (p.Ala594Pro)

Gene: PDE6C (phosphodiesterase 6C; plus strand). Cytogenetic location: 10q23.33.
Variant type: single nucleotide variant.
Coding change: c.1780G>C on transcript NM_006204.4 (MANE Select); coding-DNA position 1780, G replaced by C.
Protein change: p.Ala594Pro; replaces alanine 594 with proline.
Molecular consequence: missense variant.
Genome position (GRCh38, 1-based): chr10:93,640,962, G>C. VCF-style: chr10-93640962-G-C. GRCh37 (hg19) VCF-style: chr10-95400719-G-C.
Other names: short protein forms A594P.
Identifiers: ClinVar variation 2126746 (VCV002126746.4), dbSNP rs925939510, ClinGen allele CA377619159.